The following is an entry in ClinVar:

NM_001267550.2(TTN):c.34734A>G (p.Val11578=)

Gene: TTN (titin; minus strand). Cytogenetic location: 2q31.2.
Variant type: single nucleotide variant.
Coding change: c.34734A>G on transcript NM_001267550.2 (MANE Select); coding-DNA position 34734, A replaced by G.
Protein change: p.Val11578=; no amino-acid change (valine 11578 retained).
Molecular consequence: synonymous variant. On other transcripts: intron variant (3).
Genome position (GRCh38, 1-based): chr2:178,673,685, T>C on the plus strand (A>G on the coding strand, the complement: TTN is on the minus strand). VCF-style: chr2-178673685-T-C. GRCh37 (hg19) VCF-style: chr2-179538412-T-C.
Other names: c.33612A>G, p.Val11204= (NM_001256850.1); c.13283-31368A>G (NM_003319.4); c.13859-31368A>G (NM_133437.4); c.13658-31368A>G (NM_133432.3); c.30831A>G, p.Val10277= (NM_133378.4).
Identifiers: ClinVar variation 289578 (VCV000289578.24), dbSNP rs866407525, ClinGen allele CA10606488.

ClinVar aggregate classification (germline): Conflicting classifications of pathogenicity. Review status: criteria provided, conflicting classifications (1 of 4 stars). 7 submissions from 7 submitters: Uncertain significance (1); Likely benign (5). 1 of the submissions does not count toward it. Last evaluated 2026-03-27.

Conditions:
Dilated cardiomyopathy 1G (CMD1G). Identifiers: Orphanet 154, MedGen C1858763, MONDO:0011400, OMIM 604145.
Autosomal recessive limb-girdle muscular dystrophy type 2J (LGMDR10). Also called: MUSCULAR DYSTROPHY, LIMB-GIRDLE, AUTOSOMAL RECESSIVE 10; Limb-girdle muscular dystrophy, type 2J. Identifiers: Orphanet 140922, MedGen C1837342, MONDO:0012127, OMIM 608807.
Cardiomyopathy (CMYO). Also called: Cardiomyopathies. Identifiers: Orphanet 167848, MedGen C0878544, MONDO:0004994, HP:0001638. Inheritance: Various modes of inheritance.
TTN-related disorder. Also called: TTN-related condition; TTN-related disease; TTN-related disorders.

Allele frequency attached by ClinVar (database versions not stated): gnomAD exomes 0.00001 and 0.00005; TOPMed 0.00001; gnomAD 0.00004.
gnomAD v4.1: 87 of 1,591,234 alleles (0.0055%); highest among the groups gnomAD compares: Middle Eastern, 1.3%; 7 homozygotes.

Submissions (7):

Molecular Diagnostic Laboratory for Inherited Cardiovascular Disease, Montreal Heart Institute
Classification: Likely benign. Last evaluated: 2026-03-27. Review status: criteria provided, single submitter. Criteria: ACMG Guidelines, 2015. Collection method: clinical testing. Allele origin: germline. Affected: no.
Comment: BS1;BP7

Labcorp Genetics (formerly Invitae), Labcorp
Classification: Likely benign for Dilated cardiomyopathy 1G; Autosomal recessive limb-girdle muscular dystrophy type 2J. Last evaluated: 2026-01-13. Review status: criteria provided, single submitter. Criteria: Invitae Variant Classification Sherloc (09022015). Collection method: clinical testing. Allele origin: germline.

Blueprint Genetics
Classification: Likely benign. Last evaluated: 2024-11-14. Review status: criteria provided, single submitter. Criteria: ACMG Guidelines, 2015. Collection method: clinical testing. Allele origin: germline.

CHEO Genetics Diagnostic Laboratory, Children's Hospital of Eastern Ontario
Classification: Likely benign for Cardiomyopathy. Last evaluated: 2023-05-03. Review status: criteria provided, single submitter. Criteria: ACMG Guidelines, 2015. Collection method: clinical testing. Allele origin: germline.

Laboratory for Molecular Medicine, Mass General Brigham Personalized Medicine
Classification: Likely benign. Last evaluated: 2016-11-15. Review status: criteria provided, single submitter. Criteria: LMM Criteria. Collection method: clinical testing. Allele origin: germline. Observed: 1 variant allele.
Comment: p.Val10277Val in exon 147 of TTN: This variant is not expected to have clinical significance because it does not alter an amino acid residue and is not located within the splice consensus sequence.

Eurofins Ntd Llc (ga)
Classification: Uncertain significance. Last evaluated: 2016-08-26. Review status: criteria provided, single submitter. Criteria: EGL Classification Definitions 2015. Collection method: clinical testing. Allele origin: germline. Observed: 2 variant alleles, 2 heterozygotes.

PreventionGenetics, part of Exact Sciences
Classification: Likely benign for TTN-related condition. Last evaluated: 2019-08-05. Review status: no assertion criteria provided. Collection method: clinical testing. Allele origin: germline. Not counted in ClinVar's aggregate classification.
Comment: This variant is classified as likely benign based on ACMG/AMP sequence variant interpretation guidelines (Richards et al. 2015 PMID: 25741868, with internal and published modifications).